The following is an entry in ClinVar:

NM_033026.6(PCLO):c.4387A>G (p.Ile1463Val)

Gene: PCLO (piccolo presynaptic cytomatrix protein; minus strand). Cytogenetic location: 7q21.11.
Variant type: single nucleotide variant.
Coding change: c.4387A>G on transcript NM_033026.6 (MANE Select); coding-DNA position 4387, A replaced by G.
Protein change: p.Ile1463Val; replaces isoleucine 1463 with valine.
Molecular consequence: missense variant.
Genome position (GRCh38, 1-based): chr7:82,956,566, T>C on the plus strand (A>G on the coding strand, the complement: PCLO is on the minus strand). VCF-style: chr7-82956566-T-C. GRCh37 (hg19) VCF-style: chr7-82585882-T-C.
Other names: c.4387A>G, p.Ile1463Val (NM_014510.3); short protein forms I1463V.
Identifiers: ClinVar variation 1941804 (VCV001941804.2), dbSNP rs1014415768, ClinGen allele CA161151360.

ClinVar aggregate classification (germline): Uncertain significance (1 of 4 stars; one submission).

Allele frequency attached by ClinVar (database versions not stated): gnomAD exomes below 0.00001; gnomAD 0.00001; TOPMed 0.00002.
gnomAD v4.1: 6 of 1,612,584 alleles (0.00037%); highest among the groups gnomAD compares: Non-Finnish European, 0.00051%; no homozygotes.

Submission:

Labcorp Genetics (formerly Invitae), Labcorp
Classification: Uncertain significance. Last evaluated: 2021-12-22. Review status: criteria provided, single submitter. Criteria: Invitae Variant Classification Sherloc (09022015). Collection method: clinical testing. Allele origin: germline.
Comment: This sequence change replaces isoleucine, which is neutral and non-polar, with valine, which is neutral and non-polar, at codon 1463 of the PCLO protein (p.Ile1463Val). This variant is present in population databases (no rsID available, gnomAD 0.007%). This variant has not been reported in the literature in individuals affected with PCLO-related conditions. Algorithms developed to predict the effect of missense changes on protein structure and function output the following: SIFT: "Tolerated"; PolyPhen-2: "Not Available"; Align-GVGD: "Class C0". The valine amino acid residue is found in multiple mammalian species, which suggests that this missense change does not adversely affect protein function. In summary, the available evidence is currently insufficient to determine the role of this variant in disease. Therefore, it has been classified as a Variant of Uncertain Significance.